The following is an entry in ClinVar:

ClinVar aggregate classification (germline): Likely benign. Review status: criteria provided, single submitter (1 of 4 stars). 2 submissions from 2 submitters: Likely benign (1). 1 of the submissions does not count toward it. Last evaluated 2020-05-12.

Conditions:
BBS1-related disorder. Also called: BBS1-related condition.

Allele frequency attached by ClinVar (database versions not stated): TOPMed 0.00039; gnomAD 0.00037.
gnomAD v4.1: 137 of 378,674 alleles (0.036%); highest among the groups gnomAD compares: Middle Eastern, 0.089%; 1 homozygote.

Submissions (2):

Blueprint Genetics
Classification: Likely benign. Last evaluated: 2020-05-12. Review status: criteria provided, single submitter. Criteria: ACMG Guidelines, 2015. Collection method: clinical testing. Allele origin: germline.

PreventionGenetics, part of Exact Sciences
Classification: Benign for BBS1-related condition. Last evaluated: 2019-07-12. Review status: no assertion criteria provided. Collection method: clinical testing. Allele origin: germline. Not counted in ClinVar's aggregate classification.
Comment: This variant is classified as benign based on ACMG/AMP sequence variant interpretation guidelines (Richards et al. 2015 PMID: 25741868, with internal and published modifications).

NM_024649.5(BBS1):c.1110+323G>C

Genes: BBS1 (Bardet-Biedl syndrome 1; plus strand), ZDHHC24 (zDHHC palmitoyltransferase 24; minus strand). Cytogenetic location: 11q13.2.
Variant type: single nucleotide variant.
Coding change: c.1110+323G>C on transcript NM_024649.5 (MANE Select); 323 bases into the intron after coding-DNA position 1110, G replaced by C.
Molecular consequence: intron variant.
Genome position (GRCh38, 1-based): chr11:66,524,205, G>C. VCF-style: chr11-66524205-G-C. GRCh37 (hg19) VCF-style: chr11-66291676-G-C.
Other names: c.*21+2731C>G (NM_001348571.2).
Identifiers: ClinVar variation 3049742 (VCV003049742.3), dbSNP rs934076445, ClinGen allele CA224077366.
Genomic context (GRCh38, chr11:66,524,205, plus strand): 5'-TGGTGCGTACCTGTAATCCCAGCTACTCAGGAGGTTGAGGTAGGAGAATCGCTTGAGCCT[G>C]GGAGGCGGAGGTTGCAGTGAGCCAAGATCAAACCATGGCACTTCAGCCTGGACAACAGAG-3'